The following is an entry in ClinVar:

NM_001127208.3(TET2):c.5533G>T (p.Glu1845Ter)

Genes: TET2 (tet methylcytosine dioxygenase 2; plus strand), TET2-AS1 (TET2 antisense RNA 1; minus strand). Cytogenetic location: 4q24.
Variant type: single nucleotide variant.
Coding change: c.5533G>T on transcript NM_001127208.3 (MANE Select); coding-DNA position 5533, G replaced by T.
Protein change: p.Glu1845Ter; replaces glutamic acid 1845 with a stop codon.
Molecular consequence: nonsense.
Genome position (GRCh38, 1-based): chr4:105,276,043, G>T. VCF-style: chr4-105276043-G-T. GRCh37 (hg19) VCF-style: chr4-106197200-G-T.
Other names: short protein forms E1845*.
Identifiers: ClinVar variation 2784096 (VCV002784096.3), dbSNP rs1731204943, ClinGen allele CA357795443.

ClinVar aggregate classification (germline): Uncertain significance (1 of 4 stars; one submission).

Submission:

Labcorp Genetics (formerly Invitae), Labcorp
Classification: Uncertain significance. Last evaluated: 2024-01-18. Review status: criteria provided, single submitter. Criteria: Invitae Variant Classification Sherloc (09022015). Collection method: clinical testing. Allele origin: germline.
Comment: This sequence change creates a premature translational stop signal (p.Glu1845*) in the TET2 gene. While this is not anticipated to result in nonsense mediated decay, it is expected to disrupt the last 158 amino acid(s) of the TET2 protein. This variant is not present in population databases (gnomAD no frequency). This variant has not been reported in the literature in individuals affected with TET2-related conditions. Experimental studies and prediction algorithms are not available or were not evaluated, and the functional significance of this variant is currently unknown. In summary, the available evidence is currently insufficient to determine the role of this variant in disease. Therefore, it has been classified as a Variant of Uncertain Significance.